The following is an entry in ClinVar:

ClinVar aggregate classification (germline): Likely benign (1 of 4 stars; one submission).

Conditions:
Cone dystrophy with supernormal rod response (CDSRR). Also called: CONE DYSTROPHY WITH SUPERNORMAL ROD RESPONSES. Identifiers: Orphanet 209932, MedGen C1835897, MONDO:0012475, OMIM 610356.

Allele frequency attached by ClinVar (database versions not stated): gnomAD 0.00024 and 0.00034; gnomAD exomes 0.00042; TOPMed 0.00052; 1000 Genomes Project 0.00180; 1000 Genomes Project 30x 0.00187.
gnomAD v4.1: 418 of 1,030,568 alleles (0.041%); highest among the groups gnomAD compares: East Asian, 1%; 1 homozygote.

Submission:

Illumina Laboratory Services, Illumina
Classification: Likely benign for Cone dystrophy with supernormal rod response. Last evaluated: 2018-01-13. Review status: criteria provided, single submitter. Criteria: ICSL Variant Classification Criteria 13 December 2019. Collection method: clinical testing. Allele origin: germline.
Comment: This variant was observed in the ICSL laboratory as part of a predisposition screen in an ostensibly healthy population. It had not been previously curated by ICSL or reported in the Human Gene Mutation Database (HGMD: prior to June 1st, 2018), and was therefore a candidate for classification through an automated scoring system. Utilizing variant allele frequency, disease prevalence and penetrance estimates, and inheritance mode, an automated score was calculated to assess if this variant is too frequent to cause the disease. Based on the score and internal cut-off values, a variant classified as likely benign is not then subjected to further curation. The score for this variant resulted in a classification of likely benign for this disease.

NM_133497.4(KCNV2):c.-145T>C

Gene: KCNV2 (potassium voltage-gated channel modifier subfamily V member 2; plus strand). Cytogenetic location: 9p24.2.
Variant type: single nucleotide variant.
Coding change: c.-145T>C on transcript NM_133497.4 (MANE Select); 145 bases upstream of the start codon, T replaced by C.
Molecular consequence: 5 prime UTR variant.
Genome position (GRCh38, 1-based): chr9:2,717,595, T>C. VCF-style: chr9-2717595-T-C. GRCh37 (hg19) VCF-style: chr9-2717595-T-C.
Identifiers: ClinVar variation 366400 (VCV000366400.5), dbSNP rs528809457, ClinGen allele CA10627142.